The following is an entry in ClinVar:

ClinVar aggregate classification (germline): Uncertain significance (1 of 4 stars; one submission).

Submission:

CeGaT Center for Human Genetics Tuebingen
Classification: Uncertain significance. Last evaluated: 2023-04-01. Review status: criteria provided, single submitter. Criteria: CeGaT Center For Human Genetics Tuebingen Variant Classification Criteria Version 2. Collection method: clinical testing. Allele origin: germline. Affected: yes. Observed: 1 variant allele.
Comment: EDA: PM2, PM4

NM_001399.5(EDA):c.1035_1046del (p.Cys346_Ala349del)

Gene: EDA (ectodysplasin A; plus strand). Cytogenetic location: Xq13.1.
Variant type: Deletion.
Coding change: c.1035_1046del on transcript NM_001399.5 (MANE Select); coding-DNA positions 1035 to 1046, 12 bases deleted (TTGCTATACCGC).
Protein change: p.Cys346_Ala349del.
Molecular consequence: inframe deletion.
Genome position (GRCh38, 1-based): chrX:70,035,468-70,035,479, TTGCTATACCGC deleted; deleting any 12 consecutive bases within chrX:70,035,467-70,035,479 gives the same sequence; the c. name uses the placement nearest the transcript's 3' end. VCF-style (leftmost placement, unchanged base first): chrX-70035466-ACTTGCTATACCG-A. GRCh37 (hg19) VCF-style: chrX-69255316-ACTTGCTATACCG-A.
Other names: c.1029_1040del, p.Cys344_Ala347del (NM_001005609.2); c.1020_1031del, p.Cys341_Ala344del (NM_001005612.3).
Identifiers: ClinVar variation 2571370 (VCV002571370.27), dbSNP rs2520346958, ClinGen allele CA2580612342.